The following is an entry in ClinVar:

NM_002335.4(LRP5):c.2777G>A (p.Cys926Tyr)

Gene: LRP5 (LDL receptor related protein 5; plus strand). Cytogenetic location: 11q13.2.
Variant type: single nucleotide variant.
Coding change: c.2777G>A on transcript NM_002335.4 (MANE Select); coding-DNA position 2777, G replaced by A.
Protein change: p.Cys926Tyr; replaces cysteine 926 with tyrosine.
Molecular consequence: missense variant.
Genome position (GRCh38, 1-based): chr11:68,413,962, G>A. VCF-style: chr11-68413962-G-A. GRCh37 (hg19) VCF-style: chr11-68181430-G-A.
Other names: c.1034G>A, p.Cys345Tyr (NM_001291902.2); short protein forms C345Y, C926Y.
Identifiers: ClinVar variation 4530693 (VCV004530693.1).
Genomic context (GRCh38, chr11:68,413,962, plus strand): 5'-GTATGCACAACAACGGGCAGTGTGGGCAGCTGTGCCTTGCCATCCCCGGCGGCCACCGCT[G>A]CGGCTGCGCCTCACACTACACCCTGGACCCCAGCAGCCGCAACTGCAGCCGTAAGTGCCT-3'
Protein context (NP_002326.2, residues 916-936): LCLAIPGGHR[Cys926Tyr]GCASHYTLDP

ClinVar aggregate classification (germline): Likely pathogenic (1 of 4 stars; one submission).

Conditions:
Exudative vitreoretinopathy 4 (EVR4). Identifiers: Orphanet 891, MedGen C1866176, MONDO:0011151, OMIM 601813.

gnomAD v4.1: 1 of 1,607,644 alleles (0.000062%); highest among the groups gnomAD compares: Non-Finnish European, 0.000085%; no homozygotes.

Submission:

Laboratorio de Biologia Molecular/Medicina Genomica - IFF/Fiocruz, Instituto Fernandes Figueira, Fundacao Oswaldo Cruz
Classification: Likely pathogenic for Exudative vitreoretinopathy 4. Last evaluated: 2025-09-01. Review status: criteria provided, single submitter. Criteria: ACMG Guidelines, 2015. Collection method: clinical testing. Allele origin: biparental. Affected: yes. Observed: 2 variant alleles.
Comment: Variant: c.2777G>A (p.Cys926Tyr) in exon 12 of the LRP5 gene. Protein effect: Missense substitution. This residue is highly conserved across species and lies within the Epidermal growth factor-like domain, a well-established functional region where pathogenic variants are frequently reported. In silico evidence: Pathogenicity predictors suggest a deleterious impact on protein function. Population data: Absent from public population databases including ABraOM and gnomAD. ACMG/AMP criteria applied: PM1, PM3, PM2_Supporting, PP1_Moderate, PP3.